The following is an entry in ClinVar:

ClinVar aggregate classification (germline): Benign (1 of 4 stars; one submission).

Conditions:
Colorectal cancer, susceptibility to, 1. Also called: COLORECTAL ADENOMA AND CANCER, SUSCEPTIBILITY TO; COLORECTAL CANCER, SUSCEPTIBILITY TO, ON CHROMOSOME 9. Identifiers: MedGen C1837315, MONDO:0012132, OMIM 608812.

Submission:

Myriad Genetics, Inc.
Classification: Benign for Colorectal cancer, susceptibility to, 1. Last evaluated: 2026-04-27. Review status: criteria provided, single submitter. Criteria: Myriad Autosomal Dominant, Autosomal Recessive and X-Linked Classification Criteria (2023). Collection method: clinical testing. Allele origin: unknown.
Comment: This variant is considered benign. This variant is a silent/synonymous amino acid change and it is not expected to impact splicing.

NM_024642.5(GALNT12):c.1476C>T (p.Ser492=)

Gene: GALNT12 (polypeptide N-acetylgalactosaminyltransferase 12; plus strand). Cytogenetic location: 9q22.33.
Variant type: single nucleotide variant.
Coding change: c.1476C>T on transcript NM_024642.5 (MANE Select); coding-DNA position 1476, C replaced by T.
Protein change: p.Ser492=; no amino-acid change (serine 492 retained).
Molecular consequence: synonymous variant.
Genome position (GRCh38, 1-based): chr9:98,845,994, C>T. VCF-style: chr9-98845994-C-T. GRCh37 (hg19) VCF-style: chr9-101608276-C-T.
Identifiers: ClinVar variation 4876136 (VCV004876136.1).
Genomic context (GRCh38, chr9:98,845,994, plus strand): 5'-CAGTGGAAAATGTTGTGTTACATGTTGGCTGCCCCATTTTTAGTTTTTCGAGTACACGTC[C>T]CAGAAAGAAATACGCTATAACACCCACCAGCCTGAGGGCTGCATTGCTGTGGAAGCAGGA-3'
Protein context (NP_078918.3, residues 482-502): MGQNQFFEYT[Ser492=]QKEIRYNTHQ